The following is an entry in ClinVar:

ClinVar aggregate classification (germline): Pathogenic/Likely pathogenic. Review status: criteria provided, multiple submitters, no conflicts (2 of 4 stars). 3 submissions from 3 submitters: Pathogenic (2); Likely pathogenic (1). Last evaluated 2023-11-27.

Conditions:
MERTK-related disorder. Also called: MERTK-related condition.

Allele frequency attached by ClinVar (database versions not stated): gnomAD exomes below 0.00001; gnomAD 0.00001; TOPMed 0.00002.
gnomAD v4.1: 2 of 1,612,022 alleles (0.00012%); highest among the groups gnomAD compares: African/African-American, 0.0027%; no homozygotes.

Submissions (3):

Labcorp Genetics (formerly Invitae), Labcorp
Classification: Pathogenic. Last evaluated: 2023-11-27. Review status: criteria provided, single submitter. Criteria: Invitae Variant Classification Sherloc (09022015). Collection method: clinical testing. Allele origin: germline.
Comment: This sequence change affects an acceptor splice site in intron 12 of the MERTK gene. It is expected to disrupt RNA splicing. Variants that disrupt the donor or acceptor splice site typically lead to a loss of protein function (PMID: 16199547), and loss-of-function variants in MERTK are known to be pathogenic (PMID: 24265693, 29659094). This variant is present in population databases (no rsID available, gnomAD 0.007%). Disruption of this splice site has been observed in individuals with retinitis pigmentosa (PMID: 26667666, 30557390). ClinVar contains an entry for this variant (Variation ID: 961145). Algorithms developed to predict the effect of sequence changes on RNA splicing suggest that this variant may disrupt the consensus splice site. For these reasons, this variant has been classified as Pathogenic.

Blueprint Genetics
Classification: Pathogenic for MERTK-related disorders. Last evaluated: 2022-08-19. Review status: criteria provided, single submitter. Criteria: ACMG Guidelines, 2015. Collection method: clinical testing. Allele origin: germline. Affected: yes. Observed: 3 variant alleles.

GeneDx
Classification: Likely pathogenic. Last evaluated: 2022-06-09. Review status: criteria provided, single submitter. Criteria: GeneDx Variant Classification Process June 2021. Collection method: clinical testing. Allele origin: germline. Affected: yes.
Comment: Canonical splice site variant expected to result in aberrant splicing, although in the absence of functional evidence the actual effect of this sequence change is unknown.; Not observed at significant frequency in large population cohorts (gnomAD); Has not been previously published as pathogenic or benign to our knowledge

Literature cited by the submitters: PubMed 16199547 (cited by Labcorp Genetics (formerly Invitae), Labcorp); PubMed 24265693 (cited by Labcorp Genetics (formerly Invitae), Labcorp); PubMed 29659094 (cited by Labcorp Genetics (formerly Invitae), Labcorp); PubMed 26667666 (cited by Labcorp Genetics (formerly Invitae), Labcorp); PubMed 30557390 (cited by Labcorp Genetics (formerly Invitae), Labcorp).

NM_006343.3(MERTK):c.1787-2A>T

Gene: MERTK (MER proto-oncogene, tyrosine kinase; plus strand). Cytogenetic location: 2q13.
Variant type: single nucleotide variant.
Coding change: c.1787-2A>T on transcript NM_006343.3 (MANE Select); the canonical splice acceptor site of the intron before coding-DNA position 1787, A replaced by T.
Molecular consequence: splice acceptor variant.
Genome position (GRCh38, 1-based): chr2:112,003,902, A>T. VCF-style: chr2-112003902-A-T. GRCh37 (hg19) VCF-style: chr2-112761479-A-T.
Identifiers: ClinVar variation 961145 (VCV000961145.11), dbSNP rs978833430, ClinGen allele CA53579274.